The following is an entry in ClinVar:

ClinVar aggregate classification (germline): Conflicting classifications of pathogenicity. Review status: criteria provided, conflicting classifications (1 of 4 stars). 6 submissions from 6 submitters: Uncertain significance (1); Likely benign (2). 3 of the submissions do not count toward it. Last evaluated 2024-10-01.

Conditions:
Ichthyosis vulgaris. Also called: ICHTHYOSIS SIMPLEX; Dominant ichthyosis vulgaris. Identifiers: MedGen C0079584, MONDO:0024304, OMIM 146700.
FLG-related disorder. Also called: FLG-related disorders; FLG-related condition.

Allele frequency attached by ClinVar (database versions not stated): 1000 Genomes Project 0.00060; 1000 Genomes Project 30x 0.00094; gnomAD exomes 0.00182; ESP Exome Variant Server 0.00261.
gnomAD v4.1: 3,166 of 1,614,060 alleles (0.2%); highest among the groups gnomAD compares: Middle Eastern, 2.2%; 29 homozygotes.

Submissions (6):

CeGaT Center for Human Genetics Tuebingen
Classification: Likely benign. Last evaluated: 2024-10-01. Review status: criteria provided, single submitter. Criteria: CeGaT Center For Human Genetics Tuebingen Variant Classification Criteria Version 2. Collection method: clinical testing. Allele origin: germline. Affected: yes. Observed: 9 variant alleles.
Comment: FLG: BP4, BS2

Victorian Clinical Genetics Services, Murdoch Childrens Research Institute
Classification: Uncertain significance for Ichthyosis vulgaris. Last evaluated: 2022-02-02. Review status: criteria provided, single submitter. Criteria: ACMG Guidelines, 2015. Collection method: clinical testing. Allele origin: germline. Affected: yes.
Comment: Based on the classification scheme VCGS_Germline_v1.3.4, this variant is classified as VUS-3C. Following criteria are met: 0102 - Loss of function is a known mechanism of disease in this gene and is associated with ichthyosis vulgaris (MIM#146700). (I) 0108 - This gene is associated with both recessive and dominant disease. Biallelic truncating variants tend to result in a more severe condition (PMID: 17291859, PMID: 30681730). (I) 0112 - The condition associated with this gene has incomplete penetrance. Heterozygous carriers are more likely to be asymptomatic than individuals with biallelic mutations (PMID: 17291859, PMID: 30681730). (I) 0200 - Variant is predicted to result in a missense amino acid change from glycine to alanine. (I) 0251 - This variant is heterozygous. (I) 0303 - Variant is present in gnomAD (v2) >=0.01 for a condition (789 heterozygotes, 10 homozygotes). (I) 0309 - An alternative amino acid change at the same position has been observed in gnomAD (v3) (4 heterozygotes, 0 homozygotes). (I) 0503 - Missense variant consistently predicted to be tolerated by multiple in silico tools or not conserved in placental mammals with a minor amino acid change. (SB) 0600 - Variant is located in the annotated filaggrin 5 repeat (NCBI, UniProt). (I) 0705 - No comparable missense variants have previous evidence for pathogenicity. (I) 0806 - This variant has limited previous evidence of being benign in unrelated individuals. This variant has been classified twice as likely benign (LOVD). (SB) 0905 - No published segregation evidence has been identified for this variant. (I) 1007 - No published functional evidence has been identified for this variant. (I) 1208 - Inheritance information for this variant is not currently available in this individual. (I) Legend: (SP) - Supporting pathogenic, (I) - Information, (SB) - Supporting benign

Breakthrough Genomics
Classification: Likely benign. Review status: criteria provided, single submitter. Criteria: ACMG Guidelines, 2015. Collection method: not provided. Allele origin: germline. Inheritance: Autosomal dominant inheritance. Affected: yes.

PreventionGenetics, part of Exact Sciences
Classification: Benign for FLG-related condition. Last evaluated: 2019-11-20. Review status: no assertion criteria provided. Collection method: clinical testing. Allele origin: germline. Not counted in ClinVar's aggregate classification.
Comment: This variant is classified as benign based on ACMG/AMP sequence variant interpretation guidelines (Richards et al. 2015 PMID: 25741868, with internal and published modifications).

Clinical Genetics DNA and cytogenetics Diagnostics Lab, Erasmus MC, Erasmus Medical Center
Classification: Likely benign. Review status: no assertion criteria provided. Collection method: clinical testing. Allele origin: germline. Affected: yes. Study: VKGL Data-share Consensus. Not counted in ClinVar's aggregate classification.

Laboratory of Diagnostic Genome Analysis, Leiden University Medical Center (LUMC)
Classification: Likely benign. Review status: no assertion criteria provided. Collection method: clinical testing. Allele origin: germline. Affected: yes. Study: VKGL Data-share Consensus. Not counted in ClinVar's aggregate classification.

Literature cited by the submitters: PubMed 17291859 (cited by Victorian Clinical Genetics Services, Murdoch Childrens Research Institute); PubMed 30681730 (cited by Victorian Clinical Genetics Services, Murdoch Childrens Research Institute).

NM_002016.2(FLG):c.2804G>C (p.Gly935Ala)

Genes: CCDST (cervical cancer associated DHX9 suppressive transcript; plus strand), FLG (filaggrin; minus strand). Cytogenetic location: 1q21.3.
Variant type: single nucleotide variant.
Coding change: c.2804G>C on transcript NM_002016.2 (MANE Select); coding-DNA position 2804, G replaced by C.
Protein change: p.Gly935Ala; replaces glycine 935 with alanine.
Molecular consequence: missense variant.
Genome position (GRCh38, 1-based): chr1:152,312,082, C>G on the plus strand (G>C on the coding strand, the complement: FLG is on the minus strand). VCF-style: chr1-152312082-C-G. GRCh37 (hg19) VCF-style: chr1-152284558-C-G.
Other names: c.2804G>C (NM_002016.1); short protein forms G935A.
Identifiers: ClinVar variation 1206248 (VCV001206248.28), dbSNP rs150503113, ClinGen allele CA1106979.
Genomic context (GRCh38, chr1:152,312,082, plus strand): 5'-TGTCCCTCACTGTCACTGTCCTGGCTAACACTGGATCCCTGGCGCCTGCTTGTCCTGGAC[C>G]CCTCTGATTGTCCCTGGCCTGCCTGTGAGTGTCTAGAGATGTCGGCATGAGAGGAAGCTT-3'
Protein context (NP_002007.1, residues 925-945): HSQAGQGQSE[Gly935Ala]SRTSRRQGSS